The following is an entry in ClinVar:

NM_001079537.2(TRAPPC6B):c.293A>G (p.Lys98Arg)

Gene: TRAPPC6B (trafficking protein particle complex subunit 6B; minus strand). Cytogenetic location: 14q21.1.
Variant type: single nucleotide variant.
Coding change: c.293A>G on transcript NM_001079537.2 (MANE Select); coding-DNA position 293, A replaced by G.
Protein change: p.Lys98Arg; replaces lysine 98 with arginine.
Molecular consequence: missense variant. On other transcripts: intron variant (1).
Genome position (GRCh38, 1-based): chr14:39,154,269, T>C on the plus strand (A>G on the coding strand, the complement: TRAPPC6B is on the minus strand). VCF-style: chr14-39154269-T-C. GRCh37 (hg19) VCF-style: chr14-39623473-T-C.
Other names: c.268-2430A>G (NM_177452.4); short protein forms K98R.
Identifiers: ClinVar variation 2391939 (VCV002391939.5), dbSNP rs199749787, ClinGen allele CA7162787.
Genomic context (GRCh38, chr14:39,154,269, plus strand): 5'-ACCTTAGATGCATGTTCTAAATACTGTTTTCCTGCAGACATCTGAGTAAGCAGGCGAAAT[T>C]TGTTGTCCTGAAGTACATAGATGCCCTGTTCCAAAAATAGAAAAAAAATCCAAAGTCAAT-3'
Protein context (NP_001073005.1, residues 88-108): HQGIYVLQDN[Lys98Arg]FRLLTQMSAG

ClinVar aggregate classification (germline): Uncertain significance. Review status: criteria provided, multiple submitters, no conflicts (2 of 4 stars). 2 submissions from 2 submitters: Uncertain significance (2). Last evaluated 2023-10-13.

Conditions:
Inborn genetic diseases. Identifiers: MedGen C0950123, MeSH D030342.

Allele frequency attached by ClinVar (database versions not stated): gnomAD 0.00005; TOPMed 0.00006; ExAC 0.00013; gnomAD exomes 0.00013; 1000 Genomes Project 0.00020; 1000 Genomes Project 30x 0.00031.

Submissions (2):

Labcorp Genetics (formerly Invitae), Labcorp
Classification: Uncertain significance. Last evaluated: 2023-10-13. Review status: criteria provided, single submitter. Criteria: Invitae Variant Classification Sherloc (09022015). Collection method: clinical testing. Allele origin: germline.
Comment: This sequence change replaces lysine, which is basic and polar, with arginine, which is basic and polar, at codon 98 of the TRAPPC6B protein (p.Lys98Arg). This variant is present in population databases (rs199749787, gnomAD 0.02%). This variant has not been reported in the literature in individuals affected with TRAPPC6B-related conditions. ClinVar contains an entry for this variant (Variation ID: 2391939). An algorithm developed to predict the effect of missense changes on protein structure and function (PolyPhen-2) suggests that this variant is likely to be tolerated. In summary, the available evidence is currently insufficient to determine the role of this variant in disease. Therefore, it has been classified as a Variant of Uncertain Significance.

Ambry Genetics
Classification: Uncertain significance for Inborn genetic diseases. Last evaluated: 2021-12-02. Review status: criteria provided, single submitter. Criteria: Ambry Variant Classification Scheme 2023. Collection method: clinical testing. Allele origin: germline.